The following is an entry in ClinVar:

NM_177438.3(DICER1):c.335C>T (p.Ala112Val)

Gene: DICER1 (dicer 1, ribonuclease III; minus strand). Cytogenetic location: 14q32.13.
Variant type: single nucleotide variant.
Coding change: c.335C>T on transcript NM_177438.3 (MANE Select); coding-DNA position 335, C replaced by T.
Protein change: p.Ala112Val; replaces alanine 112 with valine.
Molecular consequence: missense variant.
Genome position (GRCh38, 1-based): chr14:95,131,612, G>A on the plus strand (C>T on the coding strand, the complement: DICER1 is on the minus strand). VCF-style: chr14-95131612-G-A. GRCh37 (hg19) VCF-style: chr14-95597949-G-A.
Other names: c.335C>T, p.Ala112Val (NM_001195573.1, NM_001271282.3, NM_001291628.2 and 1 more transcripts); short protein forms A112V.
Identifiers: ClinVar variation 477136 (VCV000477136.10), dbSNP rs1555376185, ClinGen allele CA390889350.

ClinVar aggregate classification (germline): Uncertain significance (1 of 4 stars; one submission).

Conditions:
DICER1-related tumor predisposition. Also called: DICER1-related pleuropulmonary blastoma cancer predisposition syndrome; DICER1 syndrome. Identifiers: Orphanet 284343, MedGen C3839822, MONDO:0100216.

Submission:

Labcorp Genetics (formerly Invitae), Labcorp
Classification: Uncertain significance for DICER1-related tumor predisposition. Last evaluated: 2017-06-17. Review status: criteria provided, single submitter. Criteria: Invitae Variant Classification Sherloc (09022015). Collection method: clinical testing. Allele origin: germline.
Comment: This sequence change replaces alanine with valine at codon 112 of the DICER1 protein (p.Ala112Val). The alanine residue is moderately conserved and there is a small physicochemical difference between alanine and valine. This variant is not present in population databases (ExAC no frequency). This variant has not been reported in the literature in individuals with DICER1-related disease. Algorithms developed to predict the effect of missense changes on protein structure and function (SIFT, PolyPhen-2, Align-GVGD) all suggest that this variant is likely to be tolerated, but these predictions have not been confirmed by published functional studies and their clinical significance is uncertain. In summary, the available evidence is currently insufficient to determine the role of this variant in disease. Therefore, it has been classified as a Variant of Uncertain Significance.